The following is an entry in ClinVar:

ClinVar aggregate classification (germline): Uncertain significance (1 of 4 stars; one submission).

Conditions:
Neurodevelopmental disorder with or without hyperkinetic movements and seizures, autosomal dominant. Also called: Intellectual disability, autosomal dominant 8. Identifiers: MedGen C3280282, MONDO:0013655, OMIM 614254.

Submission:

Labcorp Genetics (formerly Invitae), Labcorp
Classification: Uncertain significance for Neurodevelopmental disorder with or without hyperkinetic movements and seizures, autosomal dominant. Last evaluated: 2023-03-20. Review status: criteria provided, single submitter. Criteria: Invitae Variant Classification Sherloc (09022015). Collection method: clinical testing. Allele origin: germline.
Comment: This sequence change replaces aspartic acid, which is acidic and polar, with asparagine, which is neutral and polar, at codon 130 of the GRIN1 protein (p.Asp130Asn). This variant is not present in population databases (gnomAD no frequency). This variant has not been reported in the literature in individuals affected with GRIN1-related conditions. Advanced modeling of protein sequence and biophysical properties (such as structural, functional, and spatial information, amino acid conservation, physicochemical variation, residue mobility, and thermodynamic stability) has been performed at Invitae for this missense variant, however the output from this modeling did not meet the statistical confidence thresholds required to predict the impact of this variant on GRIN1 protein function. In summary, the available evidence is currently insufficient to determine the role of this variant in disease. Therefore, it has been classified as a Variant of Uncertain Significance.

NM_007327.4(GRIN1):c.388G>A (p.Asp130Asn)

Gene: GRIN1 (glutamate ionotropic receptor NMDA type subunit 1; plus strand). Cytogenetic location: 9q34.3.
Variant type: single nucleotide variant.
Coding change: c.388G>A on transcript NM_007327.4 (MANE Select); coding-DNA position 388, G replaced by A.
Protein change: p.Asp130Asn; replaces aspartic acid 130 with asparagine.
Molecular consequence: missense variant.
Genome position (GRCh38, 1-based): chr9:137,142,142, G>A. VCF-style: chr9-137142142-G-A. GRCh37 (hg19) VCF-style: chr9-140036594-G-A.
Other names: c.388G>A, p.Asp130Asn (NM_000832.7, NM_001185090.2, NM_001185091.2 and 1 more transcripts); short protein forms D130N.
Identifiers: ClinVar variation 2847907 (VCV002847907.3), dbSNP rs2538516927, ClinGen allele CA375713779.
Genomic context (GRCh38, chr9:137,142,142, plus strand): 5'-ACAGCCGGCTTCTACCGCATACCCGTGCTGGGGCTGACCACCCGCATGTCCATCTACTCG[G>A]ACAAGGTAAGCCTGACTGCCAGACCAGGCCTTCCGGCCCTCGGCCCCAGGGCACAGCCTG-3'
Protein context (NP_015566.1, residues 120-140): GLTTRMSIYS[Asp130Asn]KSIHLSFLRT